The following is an entry in ClinVar:

NM_145068.4(TRPV3):c.2017C>T (p.Leu673Phe)

Gene: TRPV3 (transient receptor potential cation channel subfamily V member 3; minus strand). Cytogenetic location: 17p13.2.
Variant type: single nucleotide variant.
Coding change: c.2017C>T on transcript NM_145068.4 (MANE Select); coding-DNA position 2017, C replaced by T.
Protein change: p.Leu673Phe; replaces leucine 673 with phenylalanine.
Molecular consequence: missense variant.
Genome position (GRCh38, 1-based): chr17:3,518,644, G>A on the plus strand (C>T on the coding strand, the complement: TRPV3 is on the minus strand). VCF-style: chr17-3518644-G-A. GRCh37 (hg19) VCF-style: chr17-3421938-G-A.
Other names: c.2017C>T, p.Leu673Phe (NM_001258205.2); short protein forms L673F.
Identifiers: ClinVar variation 192256 (VCV000192256.15), dbSNP rs786205868, ClinGen allele CA200134.

ClinVar aggregate classification (germline): Pathogenic/Likely pathogenic. Review status: criteria provided, multiple submitters, no conflicts (2 of 4 stars). 3 submissions from 3 submitters: Pathogenic (1); Likely pathogenic (1). 1 of the submissions does not count toward it. Last evaluated 2024-05-30.

Conditions:
Olmsted syndrome 1. Identifiers: Orphanet 659, MedGen C5542829, MONDO:0100296, OMIM 614594.
Isolated focal non-epidermolytic palmoplantar keratoderma. Also called: Palmoplantar keratoderma, nonepidermolytic, focal 2. Identifiers: Orphanet 448264, MedGen C4225339, MONDO:0014622, OMIM 616400.

Submissions (3):

Labcorp Genetics (formerly Invitae), Labcorp
Classification: Pathogenic. Last evaluated: 2024-05-30. Review status: criteria provided, single submitter. Criteria: Invitae Variant Classification Sherloc (09022015). Collection method: clinical testing. Allele origin: germline.
Comment: This sequence change replaces leucine, which is neutral and non-polar, with phenylalanine, which is neutral and non-polar, at codon 673 of the TRPV3 protein (p.Leu673Phe). This variant is not present in population databases (gnomAD no frequency). This missense change has been observed in individual(s) with Olmsted syndrome (PMID: 24452206, 28587736, 32795529; Invitae). In at least one individual the variant was observed to be de novo. ClinVar contains an entry for this variant (Variation ID: 192256). An algorithm developed to predict the effect of missense changes on protein structure and function (PolyPhen-2) suggests that this variant is likely to be disruptive. Experimental studies have shown that this missense change affects TRPV3 function (PMID: 32795529). For these reasons, this variant has been classified as Pathogenic.

Centre for Mendelian Genomics, University Medical Centre Ljubljana
Classification: Likely pathogenic for Isolated focal non-epidermolytic palmoplantar keratoderma. Last evaluated: 2019-03-06. Review status: criteria provided, single submitter. Criteria: ACMG Guidelines, 2015. Collection method: clinical testing. Allele origin: unknown. Affected: yes.
Comment: This variant was classified as: Likely pathogenic. The following ACMG criteria were applied in classifying this variant: PS1,PM2,PP3.

OMIM
Classification: Pathogenic for OLMSTED SYNDROME 1. Last evaluated: 2014-03-01. Review status: no assertion criteria provided. Collection method: literature only. Allele origin: germline. Not counted in ClinVar's aggregate classification.

Literature cited by the submitters: PubMed 24452206 (cited by Labcorp Genetics (formerly Invitae), Labcorp and OMIM); PubMed 28587736 (cited by Labcorp Genetics (formerly Invitae), Labcorp); PubMed 32795529 (cited by Labcorp Genetics (formerly Invitae), Labcorp).